The following is an entry in ClinVar:

ClinVar aggregate classification (germline): Pathogenic/Likely pathogenic. Review status: criteria provided, multiple submitters, no conflicts (2 of 4 stars). 4 submissions from 4 submitters: Pathogenic (2); Likely pathogenic (1). 1 of the submissions does not count toward it. Last evaluated 2024-03-17.

Conditions:
CEP120-related disorder. Also called: CEP120-related condition; CEP120-Related Disorders.
Short-rib thoracic dysplasia 13 with or without polydactyly (SRTD13). Identifiers: Orphanet 474, MedGen C4225378, MONDO:0014577, OMIM 616300.

Allele frequency attached by ClinVar (database versions not stated): TOPMed 0.00002; gnomAD 0.00003; gnomAD exomes 0.00003; ExAC 0.00004; ESP Exome Variant Server 0.00016.
gnomAD v4.1: 38 of 1,609,600 alleles (0.0024%); highest among the groups gnomAD compares: Middle Eastern, 0.017%; no homozygotes.

Submissions (4):

Genomic Medicine Center of Excellence, King Faisal Specialist Hospital and Research Centre
Classification: Likely pathogenic for Short-rib thoracic dysplasia 13 with or without polydactyly. Last evaluated: 2024-03-17. Review status: criteria provided, single submitter. Criteria: ACMG Guidelines, 2015. Collection method: research. Allele origin: germline.

Labcorp Genetics (formerly Invitae), Labcorp
Classification: Pathogenic for Short-rib thoracic dysplasia 13 with or without polydactyly. Last evaluated: 2021-12-01. Review status: criteria provided, single submitter. Criteria: Invitae Variant Classification Sherloc (09022015). Collection method: clinical testing. Allele origin: germline.
Comment: This sequence change replaces alanine, which is neutral and non-polar, with proline, which is neutral and non-polar, at codon 199 of the CEP120 protein (p.Ala199Pro). This variant is present in population databases (rs367600930, gnomAD 0.007%). This missense change has been observed in individual(s) with clinical features of ciliopathy disorders (PMID: 25361962, 27208211). In at least one individual the data is consistent with being in trans (on the opposite chromosome) from a pathogenic variant. ClinVar contains an entry for this variant (Variation ID: 189370). Algorithms developed to predict the effect of missense changes on protein structure and function are either unavailable or do not agree on the potential impact of this missense change (SIFT: "Deleterious"; PolyPhen-2: "Probably Damaging"; Align-GVGD: "Class C0"). Experimental studies have shown that this missense change affects CEP120 function (PMID: 29847808). For these reasons, this variant has been classified as Pathogenic.

Blueprint Genetics
Classification: Pathogenic for CEP120-related disorders. Last evaluated: 2021-11-03. Review status: criteria provided, single submitter. Criteria: ACMG Guidelines, 2015. Collection method: clinical testing. Allele origin: germline. Affected: yes. Observed: 2 variant alleles.

OMIM
Classification: Pathogenic for SHORT-RIB THORACIC DYSPLASIA 13 WITH OR WITHOUT POLYDACTYLY. Last evaluated: 2015-03-01. Review status: no assertion criteria provided. Collection method: literature only. Allele origin: germline. Not counted in ClinVar's aggregate classification.

Literature cited by the submitters: PubMed 25361962 (cited by Labcorp Genetics (formerly Invitae), Labcorp and OMIM); PubMed 27208211 (cited by Labcorp Genetics (formerly Invitae), Labcorp and OMIM); PubMed 29847808 (cited by Labcorp Genetics (formerly Invitae), Labcorp).

NM_001375405.1(CEP120):c.595G>C (p.Ala199Pro)

Gene: CEP120 (centrosomal protein 120; minus strand). Cytogenetic location: 5q23.2.
Variant type: single nucleotide variant.
Coding change: c.595G>C on transcript NM_001375405.1 (MANE Select); coding-DNA position 595, G replaced by C.
Protein change: p.Ala199Pro; replaces alanine 199 with proline.
Molecular consequence: missense variant. On other transcripts: non-coding transcript variant (1).
Genome position (GRCh38, 1-based): chr5:123,399,153, C>G on the plus strand (G>C on the coding strand, the complement: CEP120 is on the minus strand). VCF-style: chr5-123399153-C-G. GRCh37 (hg19) VCF-style: chr5-122734847-C-G.
Other names: CEP120, ALA199PRO (rs367600930); c.595G>C, p.Ala199Pro (NM_001375407.1, NM_153223.4, NM_001375406.1); c.22G>C, p.Ala8Pro (NM_001375408.1, NM_001375409.1); c.517G>C, p.Ala173Pro (NM_001166226.2); short protein forms A199P, A173P, A8P.
Identifiers: ClinVar variation 189370 (VCV000189370.9), dbSNP rs367600930, ClinGen allele CA199260.